The following is an entry in ClinVar:

ClinVar aggregate classification (germline): Conflicting classifications of pathogenicity. Review status: criteria provided, conflicting classifications (1 of 4 stars). 2 submissions from 2 submitters: Likely pathogenic (1); Uncertain significance (1). Last evaluated 2023-10-23.

Conditions:
KCNJ13-related disorders.

Allele frequency attached by ClinVar (database versions not stated): gnomAD 0.00001; gnomAD exomes 0.00001.
gnomAD v4.1: 16 of 1,614,040 alleles (0.00099%); highest among the groups gnomAD compares: Non-Finnish European, 0.0012%; no homozygotes.

Submissions (2):

Labcorp Genetics (formerly Invitae), Labcorp
Classification: Uncertain significance. Last evaluated: 2023-10-23. Review status: criteria provided, single submitter. Criteria: Invitae Variant Classification Sherloc (09022015). Collection method: clinical testing. Allele origin: germline.
Comment: This sequence change creates a premature translational stop signal (p.Glu266*) in the KCNJ13 gene. While this is not anticipated to result in nonsense mediated decay, it is expected to disrupt the last 95 amino acid(s) of the KCNJ13 protein. This variant is not present in population databases (gnomAD no frequency). This variant has not been reported in the literature in individuals affected with KCNJ13-related conditions. Experimental studies and prediction algorithms are not available or were not evaluated, and the functional significance of this variant is currently unknown. In summary, the available evidence is currently insufficient to determine the role of this variant in disease. Therefore, it has been classified as a Variant of Uncertain Significance.

Blueprint Genetics
Classification: Likely pathogenic for KCNJ13-related disorders. Last evaluated: 2021-03-10. Review status: criteria provided, single submitter. Criteria: ACMG Guidelines, 2015. Collection method: clinical testing. Allele origin: germline. Affected: yes. Observed: 5 variant alleles.

NM_002242.4(KCNJ13):c.796G>T (p.Glu266Ter)

Genes: GIGYF2 (GRB10 interacting GYF protein 2; plus strand), KCNJ13 (potassium inwardly rectifying channel subfamily J member 13; minus strand). Cytogenetic location: 2q37.1.
Variant type: single nucleotide variant.
Coding change: c.796G>T on transcript NM_002242.4 (MANE Select); coding-DNA position 796, G replaced by T.
Protein change: p.Glu266Ter; replaces glutamic acid 266 with a stop codon.
Molecular consequence: nonsense. On other transcripts: 3 prime UTR variant (1), intron variant (4).
Genome position (GRCh38, 1-based): chr2:232,768,478, C>A on the plus strand (G>T on the coding strand, the complement: KCNJ13 is on the minus strand). VCF-style: chr2-232768478-C-A. GRCh37 (hg19) VCF-style: chr2-233633188-C-A.
Other names: c.*275G>T (NM_001172416.1); c.556G>T, p.Glu186Ter (NM_001172417.1); c.532+7042C>A (NM_001103146.3, NM_015575.4, NM_001103147.2 and 1 more transcripts); short protein forms E186*, E266*.
Identifiers: ClinVar variation 3000740 (VCV003000740.4), dbSNP rs1699071355, ClinGen allele CA351009035.